The following is an entry in ClinVar:

ClinVar aggregate classification (germline): Uncertain significance (1 of 4 stars; one submission).

Allele frequency attached by ClinVar (database versions not stated): gnomAD 0.00001; gnomAD exomes 0.00001; TOPMed 0.00001.
gnomAD v4.1: 8 of 1,603,588 alleles (0.0005%); highest among the groups gnomAD compares: Non-Finnish European, 0.00068%; no homozygotes.

Submission:

Labcorp Genetics (formerly Invitae), Labcorp
Classification: Uncertain significance. Last evaluated: 2022-08-23. Review status: criteria provided, single submitter. Criteria: Invitae Variant Classification Sherloc (09022015). Collection method: clinical testing. Allele origin: germline.
Comment: ClinVar contains an entry for this variant (Variation ID: 1507005). This variant has not been reported in the literature in individuals affected with PNPT1-related conditions. This variant is present in population databases (no rsID available, gnomAD 0.0009%). This sequence change replaces valine, which is neutral and non-polar, with aspartic acid, which is acidic and polar, at codon 298 of the PNPT1 protein (p.Val298Asp). Advanced modeling of protein sequence and biophysical properties (such as structural, functional, and spatial information, amino acid conservation, physicochemical variation, residue mobility, and thermodynamic stability) performed at Invitae indicates that this missense variant is expected to disrupt PNPT1 protein function. In summary, the available evidence is currently insufficient to determine the role of this variant in disease. Therefore, it has been classified as a Variant of Uncertain Significance.

NM_033109.5(PNPT1):c.893T>A (p.Val298Asp)

Gene: PNPT1 (polyribonucleotide nucleotidyltransferase 1; minus strand). Cytogenetic location: 2p16.1.
Variant type: single nucleotide variant.
Coding change: c.893T>A on transcript NM_033109.5 (MANE Select); coding-DNA position 893, T replaced by A.
Protein change: p.Val298Asp; replaces valine 298 with aspartic acid.
Molecular consequence: missense variant.
Genome position (GRCh38, 1-based): chr2:55,672,020, A>T on the plus strand (T>A on the coding strand, the complement: PNPT1 is on the minus strand). VCF-style: chr2-55672020-A-T. GRCh37 (hg19) VCF-style: chr2-55899155-A-T.
Other names: short protein forms V298D.
Identifiers: ClinVar variation 1507005 (VCV001507005.8), dbSNP rs1369831810, ClinGen allele CA346932207.